The following is an entry in ClinVar:

ClinVar aggregate classification (germline): Likely benign. Review status: criteria provided, multiple submitters, no conflicts (2 of 4 stars). 2 submissions from 2 submitters: Likely benign (2). Last evaluated 2026-03-01.

gnomAD v4.1: 35 of 1,613,996 alleles (0.0022%); highest among the groups gnomAD compares: East Asian, 0.0067%; no homozygotes.

Submissions (2):

CeGaT Center for Human Genetics Tuebingen
Classification: Likely benign. Last evaluated: 2026-03-01. Review status: criteria provided, single submitter. Criteria: CeGaT Center For Human Genetics Tuebingen Variant Classification Criteria Version 2. Collection method: clinical testing. Allele origin: germline. Affected: yes. Observed: 1 variant allele.
Comment: MCPH1: BP4, BP7

Labcorp Genetics (formerly Invitae), Labcorp
Classification: Likely benign. Last evaluated: 2024-07-29. Review status: criteria provided, single submitter. Criteria: Invitae Variant Classification Sherloc (09022015). Collection method: clinical testing. Allele origin: germline.

NM_024596.5(MCPH1):c.1194G>A (p.Ala398=)

Gene: MCPH1 (microcephalin 1; plus strand). Cytogenetic location: 8p23.1.
Variant type: single nucleotide variant.
Coding change: c.1194G>A on transcript NM_024596.5 (MANE Select); coding-DNA position 1194, G replaced by A.
Protein change: p.Ala398=; no amino-acid change (alanine 398 retained).
Molecular consequence: synonymous variant. On other transcripts: non-coding transcript variant (1).
Genome position (GRCh38, 1-based): chr8:6,444,916, G>A. VCF-style: chr8-6444916-G-A. GRCh37 (hg19) VCF-style: chr8-6302437-G-A.
Other names: c.1194G>A, p.Ala398= (NM_001172574.2, NM_001322042.2, NM_001363979.1 and 3 more transcripts); c.1050G>A, p.Ala350= (NM_001172575.2); c.1188G>A, p.Ala396= (NM_001322043.2); c.1092G>A, p.Ala364= (NM_001322045.2).
Identifiers: ClinVar variation 2993945 (VCV002993945.7), dbSNP rs752207792, ClinGen allele CA4610487.